The following is an entry in ClinVar:

ClinVar aggregate classification (germline): Likely benign (0 of 4 stars; one submission).

Conditions:
PIK3CG-related disorder. Also called: PIK3CG-related condition.

Allele frequency attached by ClinVar (database versions not stated): TOPMed below 0.00001; ExAC 0.00017; 1000 Genomes Project 30x 0.00047; 1000 Genomes Project 0.00060.
gnomAD v4.1: 150 of 1,614,140 alleles (0.0093%); highest among the groups gnomAD compares: South Asian, 0.15%; 1 homozygote.

Submission:

PreventionGenetics, part of Exact Sciences
Classification: Likely benign for PIK3CG-related condition. Last evaluated: 2022-05-10. Review status: no assertion criteria provided. Collection method: clinical testing. Allele origin: germline.
Comment: This variant is classified as likely benign based on ACMG/AMP sequence variant interpretation guidelines (Richards et al. 2015 PMID: 25741868, with internal and published modifications).

NM_001282426.2(PIK3CG):c.3219A>G (p.Glu1073=)

Gene: PIK3CG (phosphatidylinositol-4,5-bisphosphate 3-kinase catalytic subunit gamma; plus strand). Cytogenetic location: 7q22.3.
Variant type: single nucleotide variant.
Coding change: c.3219A>G on transcript NM_001282426.2 (MANE Select); coding-DNA position 3219, A replaced by G.
Protein change: p.Glu1073=; no amino-acid change (glutamic acid 1073 retained).
Molecular consequence: synonymous variant.
Genome position (GRCh38, 1-based): chr7:106,905,297, A>G. VCF-style: chr7-106905297-A-G. GRCh37 (hg19) VCF-style: chr7-106545742-A-G.
Other names: c.3219A>G, p.Glu1073= (NM_001282427.2, NM_002649.3).
Identifiers: ClinVar variation 3036816 (VCV003036816.2), dbSNP rs185548488, ClinGen allele CA4429754.